The following is an entry in ClinVar:

ClinVar aggregate classification (germline): Pathogenic. Review status: criteria provided, multiple submitters, no conflicts (2 of 4 stars). 2 submissions from 2 submitters: Pathogenic (2). Last evaluated 2026-03-04.

Conditions:
Hereditary cancer-predisposing syndrome. Also called: Hereditary neoplastic syndrome; Hereditary Cancer Syndrome; Neoplastic Syndromes, Hereditary; Tumor predisposition. Identifiers: Orphanet 140162, MedGen C0027672, MeSH D009386, MONDO:0015356.
Familial ovarian cancer. Identifiers: MedGen C5679802, MONDO:0016248.

Submissions (2):

Myriad Genetics, Inc.
Classification: Pathogenic for Familial ovarian cancer. Last evaluated: 2026-03-04. Review status: criteria provided, single submitter. Criteria: Myriad Autosomal Dominant, Autosomal Recessive and X-Linked Classification Criteria (2023). Collection method: clinical testing. Allele origin: unknown.
Comment: This variant is considered pathogenic. This variant creates a frameshift predicted to result in premature protein truncation.

Ambry Genetics
Classification: Pathogenic for Hereditary cancer-predisposing syndrome. Last evaluated: 2025-07-14. Review status: criteria provided, single submitter. Criteria: Ambry Variant Classification Scheme 2023. Collection method: clinical testing. Allele origin: germline.
Comment: The c.1712delT pathogenic mutation, located in coding exon 11 of the BRIP1 gene, results from a deletion of one nucleotide at nucleotide position 1712, causing a translational frameshift with a predicted alternate stop codon (p.L571Wfs*19). This variant is considered to be rare based on population cohorts in the Genome Aggregation Database (gnomAD). This alteration is expected to result in loss of function by premature protein truncation or nonsense-mediated mRNA decay. As such, this alteration is interpreted as a disease-causing mutation.

NM_032043.3(BRIP1):c.1712del (p.Leu571fs)

Gene: BRIP1 (BRCA1 interacting DNA helicase 1; minus strand). Cytogenetic location: 17q23.2.
Variant type: Deletion.
Coding change: c.1712del on transcript NM_032043.3 (MANE Select); coding-DNA position 1712, one base deleted (T; older notation c.1712delT).
Protein change: p.Leu571fs; shifts the reading frame from leucine 571.
Molecular consequence: frameshift variant.
Genome position (GRCh38, 1-based): chr17:61,780,922, A deleted on the plus strand (T on the coding strand, the reverse complement: BRIP1 is on the minus strand); the first of 2 consecutive A bases (chr17:61,780,922-61,780,923); deleting either gives the same sequence. VCF-style (leftmost placement, unchanged base first): chr17-61780921-CA-C. GRCh37 (hg19) VCF-style: chr17-59858282-CA-C.
Other names: c.1712delT (NM_032043.2); short protein forms L571fs.
Identifiers: ClinVar variation 4216250 (VCV004216250.2).